The following is an entry in ClinVar:

NM_153704.6(TMEM67):c.1823G>T (p.Arg608Leu)

Gene: TMEM67 (transmembrane protein 67; plus strand). Cytogenetic location: 8q22.1.
Variant type: single nucleotide variant.
Coding change: c.1823G>T on transcript NM_153704.6 (MANE Select); coding-DNA position 1823, G replaced by T.
Protein change: p.Arg608Leu; replaces arginine 608 with leucine.
Molecular consequence: missense variant. On other transcripts: non-coding transcript variant (1).
Genome position (GRCh38, 1-based): chr8:93,795,950, G>T. VCF-style: chr8-93795950-G-T. GRCh37 (hg19) VCF-style: chr8-94808178-G-T.
Other names: c.1580G>T, p.Arg527Leu (NM_001142301.1); short protein forms R527L, R608L.
Identifiers: ClinVar variation 3970804 (VCV003970804.2).

ClinVar aggregate classification (germline): Uncertain significance. Review status: criteria provided, multiple submitters, no conflicts (2 of 4 stars). 2 submissions from 2 submitters: Uncertain significance (2). Last evaluated 2026-07-30.

Conditions:
TMEM67-related disorder. Also called: TMEM67-related condition; TMEM67-related disorders. Identifiers: MedGen CN239423.
Inborn genetic diseases. Identifiers: MedGen C0950123, MeSH D030342.

gnomAD v4.1: 3 of 1,613,700 alleles (0.00019%); highest among the groups gnomAD compares: Non-Finnish European, 0.00025%; no homozygotes.

Submissions (2):

PreventionGenetics, part of Exact Sciences
Classification: Uncertain significance for TMEM67-related condition. Last evaluated: 2026-07-30. Review status: criteria provided, single submitter. Criteria: ACMG Guidelines, 2015. Collection method: clinical testing. Allele origin: germline.
Comment: The TMEM67 c.1823G>T variant is predicted to result in the amino acid substitution p.Arg608Leu. To our knowledge, this variant has not been reported in the literature. This variant is reported in 0.0026% of alleles in individuals of European (Non-Finnish) descent in gnomAD. At this time, the clinical significance of this variant is uncertain due to the absence of conclusive functional and genetic evidence.

Ambry Genetics
Classification: Uncertain significance for Inborn genetic diseases. Last evaluated: 2025-05-20. Review status: criteria provided, single submitter. Criteria: Ambry Variant Classification Scheme 2023. Collection method: clinical testing. Allele origin: germline.